The following is an entry in ClinVar:

NM_007294.4(BRCA1):c.5354_5355delinsCC (p.Gln1785Pro)

Gene: BRCA1 (BRCA1 DNA repair associated; minus strand). Cytogenetic location: 17q21.31.
Variant type: Indel.
Coding change: c.5354_5355delinsCC on transcript NM_007294.4 (MANE Select); coding-DNA positions 5354 to 5355, AG replaced by CC.
Protein change: p.Gln1785Pro; replaces glutamine 1785 with proline.
Molecular consequence: missense variant. On other transcripts: non-coding transcript variant (1), intron variant (1).
Genome position (GRCh38, 1-based): chr17:43,049,172-43,049,173, CT replaced by GG on the plus strand (AG replaced by CC on the coding strand, the reverse complement: BRCA1 is on the minus strand). VCF-style: chr17-43049172-CT-GG. GRCh37 (hg19) VCF-style: chr17-41201189-CT-GG.
Other names: c.2042_2043delAGinsCC, p.Gln681Pro (NM_001407991.1, NM_001407992.1, NM_001407993.1 and 11 more transcripts); c.2039_2040delAGinsCC, p.Gln680Pro (NM_001408392.1, NM_001408396.1, NM_001408397.1 and 7 more transcripts); c.5141_5142delAGinsCC, p.Gln1714Pro (NM_001407571.1, NM_001407894.1, NM_001407895.1 and 12 more transcripts); c.5420_5421delAGinsCC, p.Gln1807Pro (NM_001407581.1, NM_001407582.1); c.5417_5418delAGinsCC, p.Gln1806Pro (NM_001407583.1, NM_001407585.1, NM_001407587.1); c.5414_5415delAGinsCC, p.Gln1805Pro (NM_001407590.1, NM_001407591.1); c.5354_5355delAGinsCC, p.Gln1785Pro (NM_001407593.1, NM_001407594.1, NM_001407596.1 and 5 more transcripts); c.5351_5352delAGinsCC, p.Gln1784Pro (NM_001407610.1, NM_001407611.1, NM_001407612.1 and 14 more transcripts); and 75 more; short protein forms Q1658P, Q1672P, Q1673P, Q1716P, Q1741P, Q1758P, Q1766P, Q1781P.
Identifiers: ClinVar variation 1747022 (VCV001747022.2), dbSNP rs2547130144, ClinGen allele CA2580093957.
Genomic context (GRCh38, chr17:43,049,172, plus strand): 5'-AATACTTACTGTGCCAAGGGTGAATGATGAAAGCTCCTTCACCACAGAAGCACCACACAG[CT>GG]GTACCATCCATTCCAGTTGATCTAAAATGGACATTTAGATGTAAAATCACTGCAGTAATC-3'
Protein context (NP_009225.1, residues 1775-1795): MPTDQLEWMV[Gln1785Pro]LCGASVVKEL

ClinVar aggregate classification (germline): Uncertain significance (1 of 4 stars; one submission).

Conditions:
Hereditary cancer-predisposing syndrome. Also called: Hereditary Cancer Syndrome; Neoplastic Syndromes, Hereditary; Tumor predisposition; Hereditary neoplastic syndrome. Identifiers: Orphanet 140162, MedGen C0027672, MeSH D009386, MONDO:0015356.

Submission:

Ambry Genetics
Classification: Uncertain significance for Hereditary cancer-predisposing syndrome. Last evaluated: 2021-12-21. Review status: criteria provided, single submitter. Criteria: Ambry Variant Classification Scheme 2023. Collection method: clinical testing. Allele origin: germline.
Comment: The c.5354_5355delAGinsCC variant (also known as p.Q1785P), located in coding exon 20 of the BRCA1 gene, results from an in-frame deletion of AG and insertion of CC at nucleotide positions 5354 to 5355. This results in the substitution of the glutamine residue for a proline residue at codon 1785, an amino acid with similar properties. This amino acid position is not well conserved in available vertebrate species. In addition, this alteration is predicted to be neutral by in silico analysis (Choi Y et al. PLoS ONE. 2012; 7(10):e46688). Since supporting evidence is limited at this time, the clinical significance of this alteration remains unclear.